The following is an entry in ClinVar:

NM_001025356.3(ANO6):c.2375G>T (p.Ser792Ile)

Gene: ANO6 (anoctamin 6; plus strand). Cytogenetic location: 12q12.
Variant type: single nucleotide variant.
Coding change: c.2375G>T on transcript NM_001025356.3 (MANE Select); coding-DNA position 2375, G replaced by T.
Protein change: p.Ser792Ile; replaces serine 792 with isoleucine.
Molecular consequence: missense variant.
Genome position (GRCh38, 1-based): chr12:45,421,228, G>T. VCF-style: chr12-45421228-G-T. GRCh37 (hg19) VCF-style: chr12-45815011-G-T.
Other names: c.2321G>T, p.Ser774Ile (NM_001142678.2); c.2375G>T, p.Ser792Ile (NM_001142679.2); c.2438G>T, p.Ser813Ile (NM_001204803.2); c.2342G>T, p.Ser781Ile (NM_001410973.1); short protein forms S774I, S781I, S792I, S813I.
Identifiers: ClinVar variation 4849029 (VCV004849029.1).

ClinVar aggregate classification (germline): Uncertain significance (1 of 4 stars; one submission).

Submission:

Women's Health and Genetics/Laboratory Corporation of America, LabCorp
Classification: Uncertain significance. Last evaluated: 2026-04-27. Review status: criteria provided, single submitter. Criteria: LabCorp Variant Classification Summary - May 2015. Collection method: clinical testing. Allele origin: germline.
Comment: Variant summary: ANO6 c.2375G>T (p.Ser792Ile) results in a non-conservative amino acid change in the encoded protein sequence. Algorithms developed to predict the effect of missense changes on protein structure and function are either unavailable or do not agree on the potential impact of this missense change. The variant was absent in 251164 control chromosomes. The available data on variant occurrences in the general population are insufficient to allow any conclusion about variant significance. To our knowledge, no occurrence of c.2375G>T in individuals affected with ANO6-related conditions and no experimental evidence demonstrating its impact on protein function have been reported. No submitters have cited clinical-significance assessments for this variant to ClinVar. Based on the evidence outlined above, the variant was classified as uncertain significance.